The following is an entry in ClinVar:

ClinVar aggregate classification (germline): Uncertain significance (1 of 4 stars; one submission).

Submission:

Ambry Genetics
Classification: Uncertain significance. Last evaluated: 2026-01-19. Review status: criteria provided, single submitter. Criteria: Ambry Variant Classification Scheme 2023. Collection method: clinical testing. Allele origin: germline.
Comment: The p.S171G variant (also known as c.511A>G), located in coding exon 1 of the CDK12 gene, results from an A to G substitution at nucleotide position 511. The serine at codon 171 is replaced by glycine, an amino acid with similar properties. This amino acid position is conserved. In addition, this alteration is predicted to be tolerated by in silico analysis. Based on the available evidence, the clinical significance of this variant remains unclear.

NM_016507.4(CDK12):c.511A>G (p.Ser171Gly)

Genes: CDK12 (cyclin dependent kinase 12; plus strand), LOC126862553 (CDK7 strongly-dependent group 2 enhancer GRCh37_chr17:37618166-37619365; plus strand). Cytogenetic location: 17q12.
Variant type: single nucleotide variant.
Coding change: c.511A>G on transcript NM_016507.4 (MANE Select); coding-DNA position 511, A replaced by G.
Protein change: p.Ser171Gly; replaces serine 171 with glycine.
Molecular consequence: missense variant.
Genome position (GRCh38, 1-based): chr17:39,462,582, A>G. VCF-style: chr17-39462582-A-G. GRCh37 (hg19) VCF-style: chr17-37618835-A-G.
Other names: c.511A>G, p.Ser171Gly (NM_015083.4); short protein forms S171G.
Identifiers: ClinVar variation 4844477 (VCV004844477.1).